The following is an entry in ClinVar:

NM_002907.4(RECQL):c.1123G>A (p.Gly375Ser)

Gene: RECQL (RecQ like helicase; minus strand). Cytogenetic location: 12p12.1.
Variant type: single nucleotide variant.
Coding change: c.1123G>A on transcript NM_002907.4 (MANE Select); coding-DNA position 1123, G replaced by A.
Protein change: p.Gly375Ser; replaces glycine 375 with serine.
Molecular consequence: missense variant.
Genome position (GRCh38, 1-based): chr12:21,475,561, C>T on the plus strand (G>A on the coding strand, the complement: RECQL is on the minus strand). VCF-style: chr12-21475561-C-T. GRCh37 (hg19) VCF-style: chr12-21628495-C-T.
Other names: c.1123G>A, p.Gly375Ser (NM_032941.3); short protein forms G375S.
Identifiers: ClinVar variation 2450963 (VCV002450963.2), dbSNP rs745428075, ClinGen allele CA384120223.
Genomic context (GRCh38, chr12:21,475,561, plus strand): 5'-TGGATTTACTCATTGAATGATGGATAACAAACCTCACATCTGGCTTATCAATTCCCATAC[C>T]AAATGCAACAGTTGCCACTACTACCTGAAATATTTTAACATTTTATCAGTTAATTAAATC-3'
Protein context (NP_002898.2, residues 365-385): IQVVVATVAF[Gly375Ser]MGIDKPDVRF

ClinVar aggregate classification (germline): Uncertain significance (1 of 4 stars; one submission).

Submission:

Ambry Genetics
Classification: Uncertain significance. Last evaluated: 2022-12-05. Review status: criteria provided, single submitter. Criteria: Ambry Variant Classification Scheme 2023. Collection method: clinical testing. Allele origin: germline.
Comment: The p.G375S variant (also known as c.1123G>A), located in coding exon 9 of the RECQL gene, results from a G to A substitution at nucleotide position 1123. The glycine at codon 375 is replaced by serine, an amino acid with similar properties. This amino acid position is conserved. In addition, this alteration is predicted to be deleterious by in silico analysis. Since supporting evidence is limited at this time, the clinical significance of this alteration remains unclear.